The following is an entry in ClinVar:

NM_003640.5(ELP1):c.151-9T>G

Gene: ELP1 (elongator acetyltransferase complex subunit 1; minus strand). Cytogenetic location: 9q31.3.
Variant type: single nucleotide variant.
Coding change: c.151-9T>G on transcript NM_003640.5 (MANE Select); 9 bases into the intron before coding-DNA position 151, T replaced by G.
Molecular consequence: intron variant.
Genome position (GRCh38, 1-based): chr9:108,929,930, A>C on the plus strand (T>G on the coding strand, the complement: ELP1 is on the minus strand). VCF-style: chr9-108929930-A-C. GRCh37 (hg19) VCF-style: chr9-111692210-A-C.
Other names: c.-192-9T>G (NM_001318360.2); c.-709-9T>G (NM_001330749.2).
Identifiers: ClinVar variation 967692 (VCV000967692.7), dbSNP rs747310144, ClinGen allele CA1139661110.

ClinVar aggregate classification (germline): Uncertain significance. Review status: criteria provided, single submitter (1 of 4 stars). 2 submissions from 2 submitters: Uncertain significance (1). 1 of the submissions does not count toward it. Last evaluated 2021-09-01.

Conditions:
Familial dysautonomia. Also called: HSAN III; FD. Identifiers: Orphanet 1764, MedGen C0013364, MONDO:0009131, OMIM 223900. Disease mechanism: loss of function.

Submissions (2):

Labcorp Genetics (formerly Invitae), Labcorp
Classification: Uncertain significance. Last evaluated: 2021-09-01. Review status: criteria provided, single submitter. Criteria: Invitae Variant Classification Sherloc (09022015). Collection method: clinical testing. Allele origin: germline.
Comment: This sequence change falls in intron 2 of the ELP1 gene. It does not directly change the encoded amino acid sequence of the ELP1 protein. This variant is not present in population databases (ExAC no frequency). This variant has not been reported in the literature in individuals affected with ELP1-related conditions. Algorithms developed to predict the effect of sequence changes on RNA splicing suggest that this variant may disrupt the consensus splice site. In summary, the available evidence is currently insufficient to determine the role of this variant in disease. Therefore, it has been classified as a Variant of Uncertain Significance.

Natera, Inc.
Classification: Uncertain significance for Familial dysautonomia. Last evaluated: 2019-08-09. Review status: no assertion criteria provided. Collection method: clinical testing. Allele origin: germline. Not counted in ClinVar's aggregate classification.